The following is an entry in ClinVar:

ClinVar aggregate classification (germline): Likely pathogenic (1 of 4 stars; one submission).

Conditions:
Cardiovascular phenotype. Identifiers: MedGen CN230736.

Submission:

Ambry Genetics
Classification: Likely pathogenic for Cardiovascular phenotype. Last evaluated: 2024-04-02. Review status: criteria provided, single submitter. Criteria: Ambry Variant Classification Scheme 2023. Collection method: clinical testing. Allele origin: germline.
Comment: The c.75989_75990dupAA variant, located in coding exon 185 of the TTN gene, results from a duplication of AA at nucleotide position 75989, causing a translational frameshift with a predicted alternate stop codon (p.W25331Nfs*62). This exon is located in the M-band region of the N2-B isoform of the titin protein and is constitutively expressed in TTN transcripts (percent spliced in or PSI 100%). This variant is considered to be rare based on population cohorts in the Genome Aggregation Database (gnomAD). This alteration is expected to result in loss of function by premature protein truncation or nonsense-mediated mRNA decay. While truncating variants in TTN are present in 1-3% of the general population, truncating variants in the M-band have been reported in association with autosomal recessive titinopathies, primarily presenting with skeletal myopathy phenotypes (Ceyhan-Birsoy O et al. Neurology. 2013 Oct 1;81(14):1205-14; De Cid R et al. Neurology. 2015;85(24):2126-35). In addition, regardless of their position, TTN truncating variants encoded in constitutive exons (PSI >90%) have been found to be significantly associated with dilated cardiomyopathy (DCM), though truncating variants in the A-band are the most common cause of DCM (Herman DS et al. N. Engl. J. Med., 2012 Feb;366:619-28; Roberts AM et al. Sci Transl Med, 2015 Jan;7:270ra6; Schafer S et al. Nat. Genet., 2017 01;49:46-53). Based on the majority of available evidence to date, this variant is likely to be pathogenic in association with autosomal recessive titinopathy; however, the clinical significance of this alteration with respect to cardiomyopathy remains unclear.

NM_001267550.2(TTN):c.103184_103185dup (p.Trp34396fs)

Genes: TTN (titin; minus strand), TTN-AS1 (TTN antisense RNA 1; plus strand). Cytogenetic location: 2q31.2.
Variant type: Duplication.
Coding change: c.103184_103185dup on transcript NM_001267550.2 (MANE Select); coding-DNA positions 103184 to 103185, 2 bases duplicated (AA; older notation c.103184_103185dupAA).
Protein change: p.Trp34396fs; shifts the reading frame from tryptophan 34396.
Molecular consequence: frameshift variant.
Genome position (GRCh38, 1-based): chr2:178,533,430-178,533,431, TT duplicated on the plus strand (AA on the coding strand, the reverse complement: TTN is on the minus strand); duplicating any 2 consecutive bases within chr2:178,533,430-178,533,433 gives the same sequence; the c. name uses the placement nearest the transcript's 3' end. VCF-style (leftmost placement, unchanged base first): chr2-178533429-A-ATT. GRCh37 (hg19) VCF-style: chr2-179398156-A-ATT.
Other names: c.98261_98262dup, p.Trp32755fs (NM_001256850.1); c.75989_75990dup, p.Trp25331fs (NM_003319.4); c.95480_95481dup, p.Trp31828fs (NM_133378.4); c.76364_76365dup, p.Trp25456fs (NM_133432.3); c.76565_76566dup, p.Trp25523fs (NM_133437.4); c.75989_75990dupAA (NM_003319.4); short protein forms W25456fs, W25331fs, W25523fs, W31828fs, W32755fs, W34396fs.
Identifiers: ClinVar variation 3330051 (VCV003330051.1).